The following is an entry in ClinVar:

NM_001378454.1(ALMS1):c.3687_3688del (p.Gly1230fs)

Gene: ALMS1 (ALMS1 centrosome and basal body associated protein; plus strand). Cytogenetic location: 2p13.1.
Variant type: Deletion.
Coding change: c.3687_3688del on transcript NM_001378454.1 (MANE Select); coding-DNA positions 3687 to 3688, 2 bases deleted (TG; older notation c.3687_3688delTG).
Protein change: p.Gly1230fs; shifts the reading frame from glycine 1230.
Molecular consequence: frameshift variant.
Genome position (GRCh38, 1-based): chr2:73,450,214-73,450,215, TG deleted. VCF-style (leftmost placement, unchanged base first): chr2-73450213-CTG-C. GRCh37 (hg19) VCF-style: chr2-73677340-CTG-C.
Other names: c.3690_3691delTG (NM_015120.4); c.3690_3691del, p.Gly1231fs (NM_015120.4); short protein forms G1231fs, G1230fs.
Identifiers: ClinVar variation 551692 (VCV000551692.15), dbSNP rs1296683633, ClinGen allele CA658823029.

ClinVar aggregate classification (germline): Pathogenic/Likely pathogenic. Review status: criteria provided, multiple submitters, no conflicts (2 of 4 stars). 6 submissions from 6 submitters: Pathogenic (2); Likely pathogenic (3). 1 of the submissions does not count toward it. Last evaluated 2025-10-12.

Conditions:
Cardiovascular phenotype. Identifiers: MedGen CN230736.
Alstrom syndrome (ALMS). Identifiers: Orphanet 64, MedGen C0268425, MONDO:0008763, OMIM 203800.
ALMS1-related disorder. Also called: ALMS1-related condition.

Allele frequency attached by ClinVar (database versions not stated): gnomAD exomes below 0.00001; TOPMed below 0.00001; gnomAD 0.00001.

Submissions (6):

Labcorp Genetics (formerly Invitae), Labcorp
Classification: Pathogenic for Alstrom syndrome. Last evaluated: 2025-10-12. Review status: criteria provided, single submitter. Criteria: Invitae Variant Classification Sherloc (09022015). Collection method: clinical testing. Allele origin: germline.
Comment: This sequence change creates a premature translational stop signal (p.Gly1231Aspfs*26) in the ALMS1 gene. It is expected to result in an absent or disrupted protein product. Loss-of-function variants in ALMS1 are known to be pathogenic (PMID: 17594715). This variant is not present in population databases (gnomAD no frequency). This variant has not been reported in the literature in individuals affected with ALMS1-related conditions. ClinVar contains an entry for this variant (Variation ID: 551692). For these reasons, this variant has been classified as Pathogenic.

Natera, Inc.
Classification: Likely pathogenic for Alstrom syndrome. Last evaluated: 2025-07-21. Review status: criteria provided, single submitter. Criteria: Natera Variant Classification Schema (03/2026). Collection method: clinical testing. Allele origin: germline.
Comment: The c.3690_3691delTG variant in ALMS1 is a frameshift variant predicted to shift the reading frame beginning at codon 1231 and leads to a stop codon 26 codons downstream. This variant is expected to result in nonsense mediated decay, truncation, or a dysfunctional protein product. This variant is rare in the general population with a frequency below the threshold expected for the associated phenotype(s). Given the available evidence, this variant is classified as Likely Pathogenic.

GeneDx
Classification: Likely pathogenic. Last evaluated: 2025-04-08. Review status: criteria provided, single submitter. Criteria: GeneDx Variant Classification Process June 2021. Collection method: clinical testing. Allele origin: germline.
Comment: Frameshift variant predicted to result in protein truncation or nonsense mediated decay in a gene for which loss of function is a known mechanism of disease; Not observed at significant frequency in large population cohorts (gnomAD); Has not been previously published as pathogenic or benign to our knowledge

Ambry Genetics
Classification: Pathogenic for Cardiovascular phenotype. Last evaluated: 2024-04-09. Review status: criteria provided, single submitter. Criteria: Ambry Variant Classification Scheme 2023. Collection method: clinical testing. Allele origin: germline.
Comment: The c.3690_3691delTG pathogenic mutation, located in coding exon 8 of the ALMS1 gene, results from a deletion of two nucleotides at nucleotide positions 3690 to 3691, causing a translational frameshift with a predicted alternate stop codon (p.G1231Dfs*26). This variant is considered to be rare based on population cohorts in the Genome Aggregation Database (gnomAD). This alteration is expected to result in loss of function by premature protein truncation or nonsense-mediated mRNA decay. As such, this alteration is interpreted as a disease-causing mutation.

Blueprint Genetics
Classification: Likely pathogenic for ALMS1-related disorders. Last evaluated: 2021-07-02. Review status: criteria provided, single submitter. Criteria: ACMG Guidelines, 2015. Collection method: clinical testing. Allele origin: germline. Affected: yes. Observed: 4 variant alleles.

Counsyl
Classification: Likely pathogenic for Alstrom syndrome. Last evaluated: 2017-05-01. Review status: no assertion criteria provided. Collection method: clinical testing. Allele origin: unknown. Not counted in ClinVar's aggregate classification.

Literature cited by the submitters: PubMed 17594715 (cited by Labcorp Genetics (formerly Invitae), Labcorp).